The following is an entry in ClinVar:

ClinVar aggregate classification (germline): Benign (0 of 4 stars; one submission).

Conditions:
SPAG17-related disorder. Also called: SPAG17-related condition.

Allele frequency attached by ClinVar (database versions not stated): 1000 Genomes Project 0.56390; 1000 Genomes Project 30x 0.56590; TOPMed 0.58068; gnomAD 0.58442; ESP Exome Variant Server 0.60487.
gnomAD v4.1: 905,317 of 1,613,530 alleles (56%); highest among the groups gnomAD compares: African/African-American, 69%; 256,543 homozygotes.

Submission:

PreventionGenetics, part of Exact Sciences
Classification: Benign for SPAG17-related condition. Last evaluated: 2019-10-17. Review status: no assertion criteria provided. Collection method: clinical testing. Allele origin: germline.
Comment: This variant is classified as benign based on ACMG/AMP sequence variant interpretation guidelines (Richards et al. 2015 PMID: 25741868, with internal and published modifications).

NM_206996.4(SPAG17):c.567T>C (p.Asn189=)

Gene: SPAG17 (sperm associated antigen 17; minus strand). Cytogenetic location: 1p12.
Variant type: single nucleotide variant.
Coding change: c.567T>C on transcript NM_206996.4 (MANE Select); coding-DNA position 567, T replaced by C.
Protein change: p.Asn189=; no amino-acid change (asparagine 189 retained).
Molecular consequence: synonymous variant.
Genome position (GRCh38, 1-based): chr1:118,101,807, A>G on the plus strand (T>C on the coding strand, the complement: SPAG17 is on the minus strand). VCF-style: chr1-118101807-A-G. GRCh37 (hg19) VCF-style: chr1-118644430-A-G.
Identifiers: ClinVar variation 3060576 (VCV003060576.2), dbSNP rs10754367, ClinGen allele CA1034559.